The following is an entry in ClinVar:

NM_178452.6(DNAAF1):c.685C>T (p.His229Tyr)

Gene: DNAAF1 (dynein axonemal assembly factor 1; plus strand). Cytogenetic location: 16q24.1.
Variant type: single nucleotide variant.
Coding change: c.685C>T on transcript NM_178452.6 (MANE Select); coding-DNA position 685, C replaced by T.
Protein change: p.His229Tyr; replaces histidine 229 with tyrosine.
Molecular consequence: missense variant.
Genome position (GRCh38, 1-based): chr16:84,155,693, C>T. VCF-style: chr16-84155693-C-T. GRCh37 (hg19) VCF-style: chr16-84189298-C-T.
Other names: short protein forms H229Y.
Identifiers: ClinVar variation 262957 (VCV000262957.18), dbSNP rs35496754, ClinGen allele CA8202570.

ClinVar aggregate classification (germline): Benign/Likely benign. Review status: criteria provided, multiple submitters, no conflicts (2 of 4 stars). 4 submissions from 4 submitters: Benign (3); Likely benign (1). Last evaluated 2026-01-18.

Conditions:
Primary ciliary dyskinesia. Also called: Ciliary dyskinesia. Identifiers: Orphanet 244, MedGen C0008780, MONDO:0016575, HP:0012265.
Primary ciliary dyskinesia 13. Also called: CILIARY DYSKINESIA, PRIMARY, 13, WITH OR WITHOUT SITUS INVERSUS. Identifiers: Orphanet 244, MedGen C2750790, MONDO:0013174, OMIM 613193.

Allele frequency attached by ClinVar (database versions not stated): gnomAD 0.00049 and 0.00086; gnomAD exomes 0.00093 and 0.00194; TOPMed 0.00102; ExAC 0.00209; 1000 Genomes Project 30x 0.00375; 1000 Genomes Project 0.00439.
gnomAD v4.1: 1,500 of 1,614,114 alleles (0.093%); highest among the groups gnomAD compares: East Asian, 2.8%; 34 homozygotes.

Submissions (4):

Labcorp Genetics (formerly Invitae), Labcorp
Classification: Benign for Primary ciliary dyskinesia. Last evaluated: 2026-01-18. Review status: criteria provided, single submitter. Criteria: Invitae Variant Classification Sherloc (09022015). Collection method: clinical testing. Allele origin: germline.

Illumina Laboratory Services, Illumina
Classification: Likely benign for Primary ciliary dyskinesia 13. Last evaluated: 2018-01-13. Review status: criteria provided, single submitter. Criteria: ICSL Variant Classification Criteria 13 December 2019. Collection method: clinical testing. Allele origin: germline.
Comment: This variant was observed in the ICSL laboratory as part of a predisposition screen in an ostensibly healthy population. It had not been previously curated by ICSL or reported in the Human Gene Mutation Database (HGMD: prior to June 1st, 2018), and was therefore a candidate for classification through an automated scoring system. Utilizing variant allele frequency, disease prevalence and penetrance estimates, and inheritance mode, an automated score was calculated to assess if this variant is too frequent to cause the disease. Based on the score and internal cut-off values, a variant classified as likely benign is not then subjected to further curation. The score for this variant resulted in a classification of likely benign for this disease.

Ambry Genetics
Classification: Benign for Primary ciliary dyskinesia. Last evaluated: 2015-04-09. Review status: criteria provided, single submitter. Criteria: Ambry Variant Classification Scheme 2023. Collection method: clinical testing. Allele origin: germline.

PreventionGenetics, part of Exact Sciences
Classification: Benign. Review status: criteria provided, single submitter. Criteria: ACMG Guidelines, 2015. Collection method: clinical testing. Allele origin: germline.